The following is an entry in ClinVar:

ClinVar aggregate classification (germline): Uncertain significance. Review status: criteria provided, multiple submitters, no conflicts (2 of 4 stars). 2 submissions from 2 submitters: Uncertain significance (2). Last evaluated 2023-08-24.

Allele frequency attached by ClinVar (database versions not stated): TOPMed below 0.00001; ExAC 0.00001; gnomAD exomes 0.00001; ESP Exome Variant Server 0.00008.
gnomAD v4.1: 12 of 1,614,034 alleles (0.00074%); highest among the groups gnomAD compares: Non-Finnish European, 0.00085%; no homozygotes.

Submissions (2):

Labcorp Genetics (formerly Invitae), Labcorp
Classification: Uncertain significance. Last evaluated: 2023-08-24. Review status: criteria provided, single submitter. Criteria: Invitae Variant Classification Sherloc (09022015). Collection method: clinical testing. Allele origin: germline.
Comment: In summary, the available evidence is currently insufficient to determine the role of this variant in disease. Therefore, it has been classified as a Variant of Uncertain Significance. An algorithm developed to predict the effect of missense changes on protein structure and function (PolyPhen-2) suggests that this variant is likely to be disruptive. ClinVar contains an entry for this variant (Variation ID: 1256331). This variant has not been reported in the literature in individuals affected with TTBK2-related conditions. This variant is present in population databases (rs377471302, gnomAD 0.002%). This sequence change replaces leucine, which is neutral and non-polar, with phenylalanine, which is neutral and non-polar, at codon 467 of the TTBK2 protein (p.Leu467Phe).

Athena Diagnostics
Classification: Uncertain significance. Last evaluated: 2020-12-22. Review status: criteria provided, single submitter. Criteria: Athena Diagnostics criteria. Collection method: clinical testing. Allele origin: unknown.

NM_173500.4(TTBK2):c.1399C>T (p.Leu467Phe)

Gene: TTBK2 (tau tubulin kinase 2; minus strand). Cytogenetic location: 15q15.2.
Variant type: single nucleotide variant.
Coding change: c.1399C>T on transcript NM_173500.4 (MANE Select); coding-DNA position 1399, C replaced by T.
Protein change: p.Leu467Phe; replaces leucine 467 with phenylalanine.
Molecular consequence: missense variant.
Genome position (GRCh38, 1-based): chr15:42,777,041, G>A on the plus strand (C>T on the coding strand, the complement: TTBK2 is on the minus strand). VCF-style: chr15-42777041-G-A. GRCh37 (hg19) VCF-style: chr15-43069239-G-A.
Other names: short protein forms L467F.
Identifiers: ClinVar variation 1256331 (VCV001256331.4), dbSNP rs377471302, ClinGen allele CA7516903.